The following is an entry in ClinVar:

NM_020964.3(EPG5):c.4330-6T>C

Gene: EPG5 (ectopic P-granules 5 autophagy tethering factor; minus strand). Cytogenetic location: 18q21.1.
Variant type: single nucleotide variant.
Coding change: c.4330-6T>C on transcript NM_020964.3 (MANE Select); 6 bases into the intron before coding-DNA position 4330, T replaced by C.
Molecular consequence: intron variant.
Genome position (GRCh38, 1-based): chr18:45,904,123, A>G on the plus strand (T>C on the coding strand, the complement: EPG5 is on the minus strand). VCF-style: chr18-45904123-A-G. GRCh37 (hg19) VCF-style: chr18-43484088-A-G.
Identifiers: ClinVar variation 2070126 (VCV002070126.4), dbSNP rs2511729199, ClinGen allele CA2580095722.

ClinVar aggregate classification (germline): Uncertain significance (1 of 4 stars; one submission).

Conditions:
Vici syndrome (VICIS). Identifiers: Orphanet 1493, MedGen C1855772, MONDO:0009452, OMIM 242840.

Submission:

Labcorp Genetics (formerly Invitae), Labcorp
Classification: Uncertain significance for Vici syndrome. Last evaluated: 2022-08-31. Review status: criteria provided, single submitter. Criteria: Invitae Variant Classification Sherloc (09022015). Collection method: clinical testing. Allele origin: germline.
Comment: In summary, the available evidence is currently insufficient to determine the role of this variant in disease. Therefore, it has been classified as a Variant of Uncertain Significance. Algorithms developed to predict the effect of sequence changes on RNA splicing suggest that this variant may disrupt the consensus splice site. This variant has not been reported in the literature in individuals affected with EPG5-related conditions. This variant is not present in population databases (gnomAD no frequency). This sequence change falls in intron 24 of the EPG5 gene. It does not directly change the encoded amino acid sequence of the EPG5 protein.